The following is an entry in ClinVar:

ClinVar aggregate classification (germline): Uncertain significance. Review status: criteria provided, multiple submitters, no conflicts (2 of 4 stars). 2 submissions from 2 submitters: Uncertain significance (2). Last evaluated 2024-04-29.

Conditions:
Cenani-Lenz syndactyly syndrome. Also called: SYNDACTYLY, TYPE VII; CENANI SYNDACTYLISM. Identifiers: Orphanet 3258, MedGen C1859309, MONDO:0008931, OMIM 212780.
Sclerosteosis 2 (SOST2). Identifiers: Orphanet 3152, MedGen C3280402, MONDO:0013679, OMIM 614305.
Congenital myasthenic syndrome 17. Identifiers: Orphanet 590, MedGen C4225377, MONDO:0014578, OMIM 616304.

Allele frequency attached by ClinVar (database versions not stated): ExAC 0.00001; gnomAD exomes 0.00001 and 0.00002; gnomAD 0.00003; TOPMed 0.00004.

Submissions (2):

Fulgent Genetics
Classification: Uncertain significance for Cenani-Lenz syndactyly syndrome; Sclerosteosis 2; Congenital myasthenic syndrome 17. Last evaluated: 2024-04-29. Review status: criteria provided, single submitter. Criteria: ACMG Guidelines, 2015. Collection method: clinical testing. Allele origin: germline.

Labcorp Genetics (formerly Invitae), Labcorp
Classification: Uncertain significance for Cenani-Lenz syndactyly syndrome; Sclerosteosis 2; Congenital myasthenic syndrome 17. Last evaluated: 2022-06-20. Review status: criteria provided, single submitter. Criteria: Invitae Variant Classification Sherloc (09022015). Collection method: clinical testing. Allele origin: germline.
Comment: This sequence change falls in intron 6 of the LRP4 gene. It does not directly change the encoded amino acid sequence of the LRP4 protein. It affects a nucleotide within the consensus splice site. This variant is present in population databases (rs759630167, gnomAD 0.002%). This variant has not been reported in the literature in individuals affected with LRP4-related conditions. ClinVar contains an entry for this variant (Variation ID: 662541). Variants that disrupt the consensus splice site are a relatively common cause of aberrant splicing (PMID: 17576681, 9536098). Algorithms developed to predict the effect of sequence changes on RNA splicing suggest that this variant may create or strengthen a splice site. In summary, the available evidence is currently insufficient to determine the role of this variant in disease. Therefore, it has been classified as a Variant of Uncertain Significance.

Literature cited by the submitters: PubMed 17576681 (cited by Labcorp Genetics (formerly Invitae), Labcorp); PubMed 9536098 (cited by Labcorp Genetics (formerly Invitae), Labcorp).

NM_002334.4(LRP4):c.676+4A>G

Gene: LRP4 (LDL receptor related protein 4; minus strand). Cytogenetic location: 11p11.2.
Variant type: single nucleotide variant.
Coding change: c.676+4A>G on transcript NM_002334.4 (MANE Select); 4 bases into the intron after coding-DNA position 676, A replaced by G.
Molecular consequence: intron variant.
Genome position (GRCh38, 1-based): chr11:46,898,900, T>C on the plus strand (A>G on the coding strand, the complement: LRP4 is on the minus strand). VCF-style: chr11-46898900-T-C. GRCh37 (hg19) VCF-style: chr11-46920451-T-C.
Identifiers: ClinVar variation 662541 (VCV000662541.8), dbSNP rs759630167, ClinGen allele CA5970430.